The following is an entry in ClinVar:

ClinVar aggregate classification (germline): Uncertain significance (1 of 4 stars; one submission).

Conditions:
Hereditary cancer-predisposing syndrome. Also called: Neoplastic Syndromes, Hereditary; Tumor predisposition; Hereditary neoplastic syndrome; Hereditary Cancer Syndrome. Identifiers: Orphanet 140162, MedGen C0027672, MeSH D009386, MONDO:0015356.

Allele frequency attached by ClinVar (database versions not stated): gnomAD exomes below 0.00001.

Submission:

Ambry Genetics
Classification: Uncertain significance for Hereditary cancer-predisposing syndrome. Last evaluated: 2025-02-16. Review status: criteria provided, single submitter. Criteria: Ambry Variant Classification Scheme 2023. Collection method: clinical testing. Allele origin: germline.
Comment: The p.M153R variant (also known as c.458T>G), located in coding exon 1 of the GREM1 gene, results from a T to G substitution at nucleotide position 458. The methionine at codon 153 is replaced by arginine, an amino acid with similar properties. This amino acid position is conserved. In addition, this alteration is predicted to be tolerated by in silico analysis. Since supporting evidence is limited at this time, the clinical significance of this alteration remains unclear.

NM_013372.7(GREM1):c.458T>G (p.Met153Arg)

Gene: GREM1 (gremlin 1, DAN family BMP antagonist; plus strand). Cytogenetic location: 15q13.3.
Variant type: single nucleotide variant.
Coding change: c.458T>G on transcript NM_013372.7 (MANE Select); coding-DNA position 458, T replaced by G.
Protein change: p.Met153Arg; replaces methionine 153 with arginine.
Molecular consequence: missense variant.
Genome position (GRCh38, 1-based): chr15:32,731,148, T>G. VCF-style: chr15-32731148-T-G. GRCh37 (hg19) VCF-style: chr15-33023349-T-G.
Other names: c.248T>G, p.Met83Arg (NM_001191322.2); c.335T>G, p.Met112Arg (NM_001191323.2); c.458T>G, p.Met153Arg (NM_001368719.1); short protein forms M112R, M153R, M83R.
Identifiers: ClinVar variation 3226269 (VCV003226269.2), dbSNP rs2548708015, ClinGen allele CA391558001.